The following is an entry in ClinVar:

ClinVar aggregate classification (germline): Uncertain significance (1 of 4 stars; one submission).

gnomAD v4.1: 27 of 1,614,020 alleles (0.0017%); highest among the groups gnomAD compares: Non-Finnish European, 0.0019%; no homozygotes.

Submission:

Ambry Genetics
Classification: Uncertain significance. Last evaluated: 2026-07-02. Review status: criteria provided, single submitter. Criteria: Ambry Variant Classification Scheme 2023. Collection method: clinical testing. Allele origin: germline.
Comment: The c.38A>G (p.H13R) alteration is located in exon 1 (coding exon 1) of the ATP6V0D2 gene. This alteration results from a A to G substitution at nucleotide position 38, causing the histidine (H) at amino acid position 13 to be replaced by an arginine (R). Based on data from gnomAD, the G allele has an overall frequency of <0.001% (1/251266) total alleles studied. The highest observed frequency was 0.001% (1/113590) of European (non-Finnish) alleles. Based on insufficient or conflicting evidence, the clinical significance of this alteration remains unclear.

NM_152565.1(ATP6V0D2):c.38A>G (p.His13Arg)

Gene: ATP6V0D2 (ATPase H+ transporting V0 subunit d2; plus strand). Cytogenetic location: 8q21.3.
Variant type: single nucleotide variant.
Coding change: c.38A>G on transcript NM_152565.1 (MANE Select); coding-DNA position 38, A replaced by G.
Protein change: p.His13Arg; replaces histidine 13 with arginine.
Molecular consequence: missense variant.
Genome position (GRCh38, 1-based): chr8:86,099,016, A>G. VCF-style: chr8-86099016-A-G. GRCh37 (hg19) VCF-style: chr8-87111245-A-G.
Other names: short protein forms H13R.
Identifiers: ClinVar variation 5032368 (VCV005032368.1).